The following is an entry in ClinVar:

NC_000004.11:g.(?_46305457)_(46307748_?)dup

Gene: GABRA2 (gamma-aminobutyric acid type A receptor subunit alpha2; minus strand). Cytogenetic location: 4p12.
Variant type: Duplication.
Identifiers: ClinVar variation 3246725 (VCV003246725.1).

ClinVar aggregate classification (germline): Uncertain significance (1 of 4 stars; one submission).

Submission:

Labcorp Genetics (formerly Invitae), Labcorp
Classification: Uncertain significance. Last evaluated: 2023-03-07. Review status: criteria provided, single submitter. Criteria: Invitae Variant Classification Sherloc (09022015). Collection method: clinical testing. Allele origin: unknown.
Comment: In summary, the available evidence is currently insufficient to determine the role of this variant in disease. Therefore, it has been classified as a Variant of Uncertain Significance. Experimental studies and prediction algorithms are not available or were not evaluated, and the functional significance of this variant is currently unknown. This variant has not been reported in the literature in individuals affected with GABRA2-related conditions. This variant results in a copy number gain of the genomic region encompassing exon(s) 7-8 of the GABRA2 gene. While the exact position of this variant cannot be determined from the data, sub-genic copy number gains are generally in tandem (PMID: 25640679). This variant is predicted to be in-frame, and likely preserves the integrity of the reading frame.

Literature cited by the submitters: PubMed 25640679.